The following is an entry in ClinVar:

NM_016464.5(TMEM138):c.392G>C (p.Cys131Ser)

Gene: TMEM138 (transmembrane protein 138; plus strand). Cytogenetic location: 11q12.2.
Variant type: single nucleotide variant.
Coding change: c.392G>C on transcript NM_016464.5 (MANE Select); coding-DNA position 392, G replaced by C.
Protein change: p.Cys131Ser; replaces cysteine 131 with serine.
Molecular consequence: missense variant. On other transcripts: non-coding transcript variant (1).
Genome position (GRCh38, 1-based): chr11:61,368,612, G>C. VCF-style: chr11-61368612-G-C. GRCh37 (hg19) VCF-style: chr11-61136084-G-C.
Other names: c.218G>C, p.Cys73Ser (NM_001330281.2); short protein forms C73S, C131S.
Identifiers: ClinVar variation 1516213 (VCV001516213.6), dbSNP rs934639615, ClinGen allele CA222874594.

ClinVar aggregate classification (germline): Uncertain significance. Review status: criteria provided, multiple submitters, no conflicts (2 of 4 stars). 2 submissions from 2 submitters: Uncertain significance (2). Last evaluated 2023-12-24.

Conditions:
Joubert syndrome 16 (JBTS16). Identifiers: Orphanet 2318, MedGen C3280906, MONDO:0013764, OMIM 614465.

Allele frequency attached by ClinVar (database versions not stated): gnomAD 0.00001; gnomAD exomes 0.00001 and 0.00002; TOPMed 0.00002.

Submissions (2):

Fulgent Genetics
Classification: Uncertain significance for Joubert syndrome 16. Last evaluated: 2023-12-24. Review status: criteria provided, single submitter. Criteria: ACMG Guidelines, 2015. Collection method: clinical testing. Allele origin: germline.

Labcorp Genetics (formerly Invitae), Labcorp
Classification: Uncertain significance for Joubert syndrome 16. Last evaluated: 2022-05-12. Review status: criteria provided, single submitter. Criteria: Invitae Variant Classification Sherloc (09022015). Collection method: clinical testing. Allele origin: germline.
Comment: This sequence change replaces cysteine, which is neutral and slightly polar, with serine, which is neutral and polar, at codon 131 of the TMEM138 protein (p.Cys131Ser). This variant is present in population databases (no rsID available, gnomAD 0.004%). This variant has not been reported in the literature in individuals affected with TMEM138-related conditions. Algorithms developed to predict the effect of missense changes on protein structure and function (SIFT, PolyPhen-2, Align-GVGD) all suggest that this variant is likely to be tolerated. In summary, the available evidence is currently insufficient to determine the role of this variant in disease. Therefore, it has been classified as a Variant of Uncertain Significance.